The following is an entry in ClinVar:

ClinVar aggregate classification (germline): Uncertain significance (1 of 4 stars; one submission).

Conditions:
Epileptic encephalopathy. Identifiers: MedGen C0543888, HP:0200134.

Allele frequency attached by ClinVar (database versions not stated): TOPMed 0.00001; gnomAD 0.00002 and 0.00004; ExAC 0.00005.
gnomAD v4.1: 35 of 1,613,278 alleles (0.0022%); highest among the groups gnomAD compares: Middle Eastern, 0.12%; no homozygotes.

Submission:

Labcorp Genetics (formerly Invitae), Labcorp
Classification: Uncertain significance for Epileptic encephalopathy. Last evaluated: 2022-08-22. Review status: criteria provided, single submitter. Criteria: Invitae Variant Classification Sherloc (09022015). Collection method: clinical testing. Allele origin: germline.
Comment: This sequence change replaces proline, which is neutral and non-polar, with serine, which is neutral and polar, at codon 2720 of the RYR3 protein (p.Pro2720Ser). In summary, the available evidence is currently insufficient to determine the role of this variant in disease. Therefore, it has been classified as a Variant of Uncertain Significance. Algorithms developed to predict the effect of missense changes on protein structure and function are either unavailable or do not agree on the potential impact of this missense change (SIFT: "Deleterious"; PolyPhen-2: "Possibly Damaging"; Align-GVGD: "Class C0"). ClinVar contains an entry for this variant (Variation ID: 658897). This variant has not been reported in the literature in individuals affected with RYR3-related conditions. This variant is present in population databases (rs755555885, gnomAD 0.02%).

NM_001036.6(RYR3):c.8158C>T (p.Pro2720Ser)

Gene: RYR3 (ryanodine receptor 3; plus strand). Cytogenetic location: 15q14.
Variant type: single nucleotide variant.
Coding change: c.8158C>T on transcript NM_001036.6 (MANE Select); coding-DNA position 8158, C replaced by T.
Protein change: p.Pro2720Ser; replaces proline 2720 with serine.
Molecular consequence: missense variant.
Genome position (GRCh38, 1-based): chr15:33,748,489, C>T. VCF-style: chr15-33748489-C-T. GRCh37 (hg19) VCF-style: chr15-34040690-C-T.
Other names: c.8158C>T, p.Pro2720Ser (NM_001243996.4); short protein forms P2720S.
Identifiers: ClinVar variation 658897 (VCV000658897.5), dbSNP rs755555885, ClinGen allele CA7460116.